The following is an entry in ClinVar:

ClinVar aggregate classification (germline): Pathogenic. Review status: criteria provided, multiple submitters, no conflicts (2 of 4 stars). 2 submissions from 2 submitters: Pathogenic (2). Last evaluated 2023-11-16.

Conditions:
Cardiovascular phenotype. Identifiers: MedGen CN230736.
Hereditary cancer-predisposing syndrome. Also called: Neoplastic Syndromes, Hereditary; Hereditary neoplastic syndrome; Tumor predisposition; Hereditary Cancer Syndrome. Identifiers: Orphanet 140162, MedGen C0027672, MeSH D009386, MONDO:0015356.

Submissions (2):

Ambry Genetics
Classification: Pathogenic for Cardiovascular phenotype; Hereditary cancer-predisposing syndrome. Last evaluated: 2023-11-16. Review status: criteria provided, single submitter. Criteria: Ambry Variant Classification Scheme 2023. Collection method: clinical testing. Allele origin: germline.
Comment: The c.1741delG pathogenic mutation, located in coding exon 15 of the LZTR1 gene, results from a deletion of one nucleotide at nucleotide position 1741, causing a translational frameshift with a predicted alternate stop codon (p.V581Lfs*11). This alteration is expected to result in loss of function by premature protein truncation or nonsense-mediated mRNA decay. Loss-of-function variants in LZTR1 are related to an increased risk for schwannomas and autosomal recessive Noonan syndrome; however, such associations with autosomal dominant Noonan syndrome have not been observed (Piotrowski A et al. Nat Genet. 2014 Feb;46:182-7; Yamamoto GL et al. J Med Genet. 2015 Jun;52:413-21; Johnston JJ et al. Genet Med. 2018 10;20:1175-1185). Based on the supporting evidence, this variant is pathogenic for an increased risk of LZTR1-related schwannomatosis (SWN) and would be expected to cause autosomal recessive Noonan syndrome when present along with a second pathogenic or likely pathogenic variant on the other allele; however, the association of this alteration with autosomal dominant Noonan syndrome is unlikely.

Labcorp Genetics (formerly Invitae), Labcorp
Classification: Pathogenic. Last evaluated: 2023-07-07. Review status: criteria provided, single submitter. Criteria: Invitae Variant Classification Sherloc (09022015). Collection method: clinical testing. Allele origin: germline.
Comment: This sequence change creates a premature translational stop signal (p.Val581Leufs*11) in the LZTR1 gene. It is expected to result in an absent or disrupted protein product. Loss-of-function variants in LZTR1 are known to be pathogenic (PMID: 24362817, 25335493, 25480913, 25795793, 29469822, 30368668, 30442762, 30442766, 30481304, 30859559). This variant is not present in population databases (gnomAD no frequency). This variant has not been reported in the literature in individuals affected with LZTR1-related conditions. For these reasons, this variant has been classified as Pathogenic.

Literature cited by the submitters: PubMed 24362817 (cited by Labcorp Genetics (formerly Invitae), Labcorp); PubMed 25335493 (cited by Labcorp Genetics (formerly Invitae), Labcorp); PubMed 25480913 (cited by Labcorp Genetics (formerly Invitae), Labcorp); PubMed 25795793 (cited by Labcorp Genetics (formerly Invitae), Labcorp); PubMed 29469822 (cited by Labcorp Genetics (formerly Invitae), Labcorp); PubMed 30368668 (cited by Labcorp Genetics (formerly Invitae), Labcorp); PubMed 30442762 (cited by Labcorp Genetics (formerly Invitae), Labcorp); PubMed 30442766 (cited by Labcorp Genetics (formerly Invitae), Labcorp); PubMed 30481304 (cited by Labcorp Genetics (formerly Invitae), Labcorp); PubMed 30859559 (cited by Labcorp Genetics (formerly Invitae), Labcorp).

NM_006767.4(LZTR1):c.1741del (p.Val581fs)

Gene: LZTR1 (leucine zipper like post translational regulator 1; plus strand). Cytogenetic location: 22q11.21.
Variant type: Deletion.
Coding change: c.1741del on transcript NM_006767.4 (MANE Select); coding-DNA position 1741, one base deleted (G; older notation c.1741delG).
Protein change: p.Val581fs; shifts the reading frame from valine 581.
Molecular consequence: frameshift variant.
Genome position (GRCh38, 1-based): chr22:20,994,683, G deleted; the last of 2 consecutive G bases (chr22:20,994,682-20,994,683); deleting either gives the same sequence. VCF-style (leftmost placement, unchanged base first): chr22-20994681-TG-T. GRCh37 (hg19) VCF-style: chr22-21348970-TG-T.
Other names: c.1741delG (NM_006767.3); short protein forms V581fs.
Identifiers: ClinVar variation 2897147 (VCV002897147.4), dbSNP rs2518621948, ClinGen allele CA2739267813.
Genomic context (GRCh38, chr22:20,994,681, plus strand): 5'-GCCGCCTGGAGCAGCTGTGCCGCCAGTACATCGAGGCCTCCGTGGACCTGCAGAACGTGC[TG>T]GTTGTGTGCGAGAGTGCCGCCCGGCTGCAGCTGAGCCAACTCAAGGTGTGGGGTGGGGTC-3'